The following is an entry in ClinVar:

NM_022168.4(IFIH1):c.2590A>T (p.Met864Leu)

Gene: IFIH1 (interferon induced with helicase C domain 1; minus strand). Cytogenetic location: 2q24.2.
Variant type: single nucleotide variant.
Coding change: c.2590A>T on transcript NM_022168.4 (MANE Select); coding-DNA position 2590, A replaced by T.
Protein change: p.Met864Leu; replaces methionine 864 with leucine.
Molecular consequence: missense variant.
Genome position (GRCh38, 1-based): chr2:162,272,252, T>A on the plus strand (A>T on the coding strand, the complement: IFIH1 is on the minus strand). VCF-style: chr2-162272252-T-A. GRCh37 (hg19) VCF-style: chr2-163128762-T-A.
Other names: short protein forms M864L.
Identifiers: ClinVar variation 3753618 (VCV003753618.2).

ClinVar aggregate classification (germline): Uncertain significance (1 of 4 stars; one submission).

Conditions:
Singleton-Merten syndrome 1 (SGMRT1). Also called: Syndrome of widened medullary cavities of the metacarpals and phalanges, aortic calcification and abnormal dentition; Widened medullary cavities of bone, aortic calcification, abnormal dentition, and muscular weakness. Identifiers: Orphanet 85191, MedGen C4225427, MONDO:0024535, OMIM 182250.
Aicardi-Goutieres syndrome 7 (AGS7). Identifiers: Orphanet 51, MedGen C3888244, MONDO:0014367, OMIM 615846.

Submission:

Labcorp Genetics (formerly Invitae), Labcorp
Classification: Uncertain significance for Aicardi-Goutieres syndrome 7; Singleton-Merten syndrome 1. Last evaluated: 2025-06-12. Review status: criteria provided, single submitter. Criteria: Invitae Variant Classification Sherloc (09022015). Collection method: clinical testing. Allele origin: germline.
Comment: This sequence change replaces methionine, which is neutral and non-polar, with leucine, which is neutral and non-polar, at codon 864 of the IFIH1 protein (p.Met864Leu). This variant is not present in population databases (gnomAD no frequency). This variant has not been reported in the literature in individuals affected with IFIH1-related conditions. ClinVar contains an entry for this variant (Variation ID: 3753618). Invitae Evidence Modeling of protein sequence and biophysical properties (such as structural, functional, and spatial information, amino acid conservation, physicochemical variation, residue mobility, and thermodynamic stability) has been performed for this missense variant. However, the output from this modeling did not meet the statistical confidence thresholds required to predict the impact of this variant on IFIH1 protein function. In summary, the available evidence is currently insufficient to determine the role of this variant in disease. Therefore, it has been classified as a Variant of Uncertain Significance.